The following is an entry in ClinVar:

ClinVar aggregate classification (germline): Likely benign (0 of 4 stars; one submission).

Conditions:
KRIT1-related disorder. Also called: KRIT1-related disorders; KRIT1-related condition.

Allele frequency attached by ClinVar (database versions not stated): gnomAD 0.00001; gnomAD exomes 0.00001; TOPMed 0.00001.

Submission:

PreventionGenetics, part of Exact Sciences
Classification: Likely benign for KRIT1-related condition. Last evaluated: 2019-09-10. Review status: no assertion criteria provided. Collection method: clinical testing. Allele origin: germline.
Comment: This variant is classified as likely benign based on ACMG/AMP sequence variant interpretation guidelines (Richards et al. 2015 PMID: 25741868, with internal and published modifications).

NM_194454.3(KRIT1):c.*127G>A

Gene: KRIT1 (KRIT1 ankyrin repeat containing; minus strand). Cytogenetic location: 7q21.2.
Variant type: single nucleotide variant.
Coding change: c.*127G>A on transcript NM_194454.3 (MANE Select); 127 bases downstream of the stop codon, G replaced by A.
Molecular consequence: 3 prime UTR variant.
Genome position (GRCh38, 1-based): chr7:92,200,609, C>T on the plus strand (G>A on the coding strand, the complement: KRIT1 is on the minus strand). VCF-style: chr7-92200609-C-T. GRCh37 (hg19) VCF-style: chr7-91829923-C-T.
Other names: c.*127G>A (NM_001013406.2, NM_001350669.1, NM_001350670.1 and 30 more transcripts).
Identifiers: ClinVar variation 3040068 (VCV003040068.2), dbSNP rs1164219315, ClinGen allele CA576706237.